The following is an entry in ClinVar:

NM_000368.5(TSC1):c.622A>C (p.Ser208Arg)

Gene: TSC1 (TSC complex subunit 1; minus strand). Cytogenetic location: 9q34.13.
Variant type: single nucleotide variant.
Coding change: c.622A>C on transcript NM_000368.5 (MANE Select); coding-DNA position 622, A replaced by C.
Protein change: p.Ser208Arg; replaces serine 208 with arginine.
Molecular consequence: missense variant.
Genome position (GRCh38, 1-based): chr9:132,921,860, T>G on the plus strand (A>C on the coding strand, the complement: TSC1 is on the minus strand). VCF-style: chr9-132921860-T-G. GRCh37 (hg19) VCF-style: chr9-135797247-T-G.
Other names: c.622A>C, p.Ser208Arg (NM_001162426.2); c.469A>C, p.Ser157Arg (NM_001162427.2); c.259A>C, p.Ser87Arg (NM_001362177.2); short protein forms S157R, S208R, S87R.
Identifiers: ClinVar variation 1019115 (VCV001019115.10), dbSNP rs778671811, ClinGen allele CA038264.
Genomic context (GRCh38, chr9:132,921,860, plus strand): 5'-ACAAGCAGTTTCAATTTACCTTGACCACTTCTTCAAAAGTCTCCAGGTTTTCTTTCATAC[T>G]GTAATGAGAACGCAAAAAGGAGACGAAGTTGCAAGGGTACATTCCATAAAGGCGATGAAA-3'
Protein context (NP_000359.1, residues 198-218): NFVSFLRSHY[Ser208Arg]MKENLETFEE

ClinVar aggregate classification (germline): Conflicting classifications of pathogenicity. Review status: criteria provided, conflicting classifications (1 of 4 stars). 2 submissions from 2 submitters: Uncertain significance (1); Likely benign (1). Last evaluated 2026-01-11.

Conditions:
Tuberous sclerosis 1 (TSC1). Identifiers: Orphanet 805, MedGen C1854465, MONDO:0008612, OMIM 191100.
Hereditary cancer-predisposing syndrome. Also called: Tumor predisposition; Hereditary Cancer Syndrome; Neoplastic Syndromes, Hereditary; Hereditary neoplastic syndrome. Identifiers: Orphanet 140162, MedGen C0027672, MeSH D009386, MONDO:0015356.

Allele frequency attached by ClinVar (database versions not stated): gnomAD exomes below 0.00001; ExAC 0.00001; gnomAD 0.00001; TOPMed 0.00002.

Submissions (2):

Labcorp Genetics (formerly Invitae), Labcorp
Classification: Likely benign for Tuberous sclerosis 1. Last evaluated: 2026-01-11. Review status: criteria provided, single submitter. Criteria: Invitae Variant Classification Sherloc (09022015). Collection method: clinical testing. Allele origin: germline.

Ambry Genetics
Classification: Uncertain significance for Hereditary cancer-predisposing syndrome. Last evaluated: 2024-11-19. Review status: criteria provided, single submitter. Criteria: Ambry Variant Classification Scheme 2023. Collection method: clinical testing. Allele origin: germline.
Comment: The p.S208R variant (also known as c.622A>C), located in coding exon 5 of the TSC1 gene, results from an A to C substitution at nucleotide position 622. The serine at codon 208 is replaced by arginine, an amino acid with dissimilar properties. This amino acid position is highly conserved in available vertebrate species. In addition, this alteration is predicted to be deleterious by in silico analysis. Since supporting evidence is limited at this time, the clinical significance of this alteration remains unclear.